The following is an entry in ClinVar:

NM_002292.4(LAMB2):c.4150A>T (p.Met1384Leu)

Gene: LAMB2 (laminin subunit beta 2; minus strand). Cytogenetic location: 3p21.31.
Variant type: single nucleotide variant.
Coding change: c.4150A>T on transcript NM_002292.4 (MANE Select); coding-DNA position 4150, A replaced by T.
Protein change: p.Met1384Leu; replaces methionine 1384 with leucine.
Molecular consequence: missense variant.
Genome position (GRCh38, 1-based): chr3:49,123,206, T>A on the plus strand (A>T on the coding strand, the complement: LAMB2 is on the minus strand). VCF-style: chr3-49123206-T-A. GRCh37 (hg19) VCF-style: chr3-49160639-T-A.
Other names: c.4150A>T (NM_002292.3); short protein forms M1384L.
Identifiers: ClinVar variation 1436377 (VCV001436377.9), dbSNP rs781135874, ClinGen allele CA352695860.

ClinVar aggregate classification (germline): Conflicting classifications of pathogenicity. Review status: criteria provided, conflicting classifications (1 of 4 stars). 2 submissions from 2 submitters: Uncertain significance (1); Likely benign (1). Last evaluated 2025-01-23.

Conditions:
Pierson syndrome. Also called: MICROCORIA-CONGENITAL NEPHROTIC SYNDROME. Identifiers: Orphanet 2670, MedGen C1836876, MONDO:0012184, OMIM 609049.
LAMB2-related infantile-onset nephrotic syndrome. Also called: NEPHROTIC SYNDROME, TYPE 5, WITHOUT OCULAR ABNORMALITIES; NEPHROTIC SYNDROME, TYPE 5, WITH OCULAR ABNORMALITIES; Nephrotic Syndrome, type 5. Identifiers: Orphanet 306507, MedGen C3280113, MONDO:0013621, OMIM 614199.
Inborn genetic diseases. Identifiers: MedGen C0950123, MeSH D030342.

Submissions (2):

Ambry Genetics
Classification: Likely benign for Inborn genetic diseases. Last evaluated: 2025-01-23. Review status: criteria provided, single submitter. Criteria: Ambry Variant Classification Scheme 2023. Collection method: clinical testing. Allele origin: germline.

Labcorp Genetics (formerly Invitae), Labcorp
Classification: Uncertain significance for LAMB2-related infantile-onset nephrotic syndrome; Pierson syndrome. Last evaluated: 2022-02-10. Review status: criteria provided, single submitter. Criteria: Invitae Variant Classification Sherloc (09022015). Collection method: clinical testing. Allele origin: germline.
Comment: In summary, the available evidence is currently insufficient to determine the role of this variant in disease. Therefore, it has been classified as a Variant of Uncertain Significance. Algorithms developed to predict the effect of missense changes on protein structure and function output the following: SIFT: "Tolerated"; PolyPhen-2: "Benign"; Align-GVGD: "Class C0". The leucine amino acid residue is found in multiple mammalian species, which suggests that this missense change does not adversely affect protein function. This sequence change replaces methionine, which is neutral and non-polar, with leucine, which is neutral and non-polar, at codon 1384 of the LAMB2 protein (p.Met1384Leu). This variant is not present in population databases (gnomAD no frequency). This variant has not been reported in the literature in individuals affected with LAMB2-related conditions.